The following is an entry in ClinVar:

NM_004104.5(FASN):c.97G>A (p.Val33Ile)

Gene: FASN (fatty acid synthase; minus strand). Cytogenetic location: 17q25.3.
Variant type: single nucleotide variant.
Coding change: c.97G>A on transcript NM_004104.5 (MANE Select); coding-DNA position 97, G replaced by A.
Protein change: p.Val33Ile; replaces valine 33 with isoleucine.
Molecular consequence: missense variant.
Genome position (GRCh38, 1-based): chr17:82,096,349, C>T on the plus strand (G>A on the coding strand, the complement: FASN is on the minus strand). VCF-style: chr17-82096349-C-T. GRCh37 (hg19) VCF-style: chr17-80054225-C-T.
Other names: short protein forms V33I.
Identifiers: ClinVar variation 948454 (VCV000948454.10), dbSNP rs747282145, ClinGen allele CA8853680.

ClinVar aggregate classification (germline): Uncertain significance. Review status: criteria provided, multiple submitters, no conflicts (2 of 4 stars). 2 submissions from 2 submitters: Uncertain significance (2). Last evaluated 2021-01-14.

Conditions:
Epileptic encephalopathy. Identifiers: MedGen C0543888, HP:0200134.

Allele frequency attached by ClinVar (database versions not stated): gnomAD exomes 0.00001; ExAC 0.00002; gnomAD 0.00002; TOPMed 0.00003.

Submissions (2):

Labcorp Genetics (formerly Invitae), Labcorp
Classification: Uncertain significance for Epileptic encephalopathy. Last evaluated: 2021-01-14. Review status: criteria provided, single submitter. Criteria: Invitae Variant Classification Sherloc (09022015). Collection method: clinical testing. Allele origin: germline.
Comment: Algorithms developed to predict the effect of missense changes on protein structure and function are either unavailable or do not agree on the potential impact of this missense change (SIFT: "Deleterious"; PolyPhen-2: "Possibly Damaging"; Align-GVGD: "Class C0"). This sequence change replaces valine with isoleucine at codon 33 of the FASN protein (p.Val33Ile). The valine residue is highly conserved and there is a small physicochemical difference between valine and isoleucine. This variant is present in population databases (rs747282145, ExAC 0.02%). This variant has not been reported in the literature in individuals with FASN-related conditions. In summary, the available evidence is currently insufficient to determine the role of this variant in disease. Therefore, it has been classified as a Variant of Uncertain Significance.

Breakthrough Genomics
Classification: Uncertain significance. Review status: criteria provided, single submitter. Criteria: ACMG Guidelines, 2015. Collection method: not provided. Allele origin: germline. Inheritance: Unknown mechanism. Affected: yes.